The following is an entry in ClinVar:

NM_033004.4(NLRP1):c.3046G>A (p.Gly1016Arg)

Gene: NLRP1 (NLR family pyrin domain containing 1; minus strand). Cytogenetic location: 17p13.2.
Variant type: single nucleotide variant.
Coding change: c.3046G>A on transcript NM_033004.4 (MANE Select); coding-DNA position 3046, G replaced by A.
Protein change: p.Gly1016Arg; replaces glycine 1016 with arginine.
Molecular consequence: missense variant.
Genome position (GRCh38, 1-based): chr17:5,533,903, C>T on the plus strand (G>A on the coding strand, the complement: NLRP1 is on the minus strand). VCF-style: chr17-5533903-C-T. GRCh37 (hg19) VCF-style: chr17-5437223-C-T.
Other names: c.3046G>A, p.Gly1016Arg (NM_001033053.3, NM_014922.5); c.2956G>A, p.Gly986Arg (NM_033006.4, NM_033007.4); c.3046G>A (NM_033004.3); short protein forms G1016R, G986R.
Identifiers: ClinVar variation 3607640 (VCV003607640.3).
Genomic context (GRCh38, chr17:5,533,903, plus strand): 5'-CTGACCTCCCCCAACCCCTGTCACGATGCTCCCAGCCTTGCCCCTTCAAACTACCTGATC[C>T]GAGTCTCTGCCGCTTGAGTGAGGATGTGCTATTACTCATCTCTCCCGTATCCAGGCCCTC-3'
Protein context (NP_127497.1, residues 1006-1026): STSSLKRQRL[Gly1016Arg]SERAASHVAQ

ClinVar aggregate classification (germline): Conflicting classifications of pathogenicity. Review status: criteria provided, conflicting classifications (1 of 4 stars). 2 submissions from 2 submitters: Uncertain significance (1); Likely benign (1). Last evaluated 2025-09-10.

Conditions:
Inborn genetic diseases. Identifiers: MedGen C0950123, MeSH D030342.

gnomAD v4.1: 20 of 1,608,042 alleles (0.0012%); highest among the groups gnomAD compares: East Asian, 0.025%; no homozygotes.

Submissions (2):

Ambry Genetics
Classification: Likely benign for Inborn genetic diseases. Last evaluated: 2025-09-10. Review status: criteria provided, single submitter. Criteria: Ambry Variant Classification Scheme 2023. Collection method: clinical testing. Allele origin: germline.

Labcorp Genetics (formerly Invitae), Labcorp
Classification: Uncertain significance. Last evaluated: 2024-03-27. Review status: criteria provided, single submitter. Criteria: Invitae Variant Classification Sherloc (09022015). Collection method: clinical testing. Allele origin: germline.
Comment: This sequence change replaces glycine, which is neutral and non-polar, with arginine, which is basic and polar, at codon 1016 of the NLRP1 protein (p.Gly1016Arg). This variant is present in population databases (rs757205574, gnomAD 0.01%). This variant has not been reported in the literature in individuals affected with NLRP1-related conditions. Algorithms developed to predict the effect of missense changes on protein structure and function output the following: SIFT: "Not Available"; PolyPhen-2: "Benign"; Align-GVGD: "Not Available". The arginine amino acid residue is found in multiple mammalian species, which suggests that this missense change does not adversely affect protein function. Algorithms developed to predict the effect of sequence changes on RNA splicing suggest that this variant may disrupt the consensus splice site. In summary, the available evidence is currently insufficient to determine the role of this variant in disease. Therefore, it has been classified as a Variant of Uncertain Significance.